The following is an entry in ClinVar:

ClinVar aggregate classification (germline): Uncertain significance (1 of 4 stars; one submission).

Conditions:
Myofibrillar myopathy 6. Identifiers: Orphanet 199340, MedGen C2751831, MONDO:0013061, OMIM 612954.
Dilated cardiomyopathy 1HH (CMD1HH). Identifiers: Orphanet 154, MedGen C3151293, MONDO:0013479, OMIM 613881.

Submission:

Labcorp Genetics (formerly Invitae), Labcorp
Classification: Uncertain significance for Dilated cardiomyopathy 1HH; Myofibrillar myopathy 6. Last evaluated: 2021-09-01. Review status: criteria provided, single submitter. Criteria: Invitae Variant Classification Sherloc (09022015). Collection method: clinical testing. Allele origin: germline.
Comment: This sequence change falls in intron 3 of the BAG3 gene. It does not directly change the encoded amino acid sequence of the BAG3 protein. It affects a nucleotide within the consensus splice site of the intron. This variant is not present in population databases (ExAC no frequency). This variant has not been reported in the literature in individuals affected with BAG3-related conditions. Variants that disrupt the consensus splice site are a relatively common cause of aberrant splicing (PMID: 17576681, 9536098). Algorithms developed to predict the effect of sequence changes on RNA splicing suggest that this variant is not likely to affect RNA splicing. In summary, the available evidence is currently insufficient to determine the role of this variant in disease. Therefore, it has been classified as a Variant of Uncertain Significance.

Literature cited by the submitters: PubMed 17576681; PubMed 9536098.

NM_004281.4(BAG3):c.909+4C>G

Gene: BAG3 (BAG cochaperone 3; plus strand). Cytogenetic location: 10q26.11.
Variant type: single nucleotide variant.
Coding change: c.909+4C>G on transcript NM_004281.4 (MANE Select); 4 bases into the intron after coding-DNA position 909, C replaced by G.
Molecular consequence: intron variant.
Genome position (GRCh38, 1-based): chr10:119,672,660, C>G. VCF-style: chr10-119672660-C-G. GRCh37 (hg19) VCF-style: chr10-121432172-C-G.
Identifiers: ClinVar variation 1024520 (VCV001024520.6), dbSNP rs376351857, ClinGen allele CA1940193587.